The following is an entry in ClinVar:

NM_033310.3(KCNK4):c.495G>C (p.Glu165Asp)

Genes: KCNK4 (potassium two pore domain channel subfamily K member 4; plus strand), KCNK4-CATSPERZ (KCNK4-CATSPERZ readthrough (NMD candidate); plus strand). Cytogenetic location: 11q13.1.
Variant type: single nucleotide variant.
Coding change: c.495G>C on transcript NM_033310.3 (MANE Select); coding-DNA position 495, G replaced by C.
Protein change: p.Glu165Asp; replaces glutamic acid 165 with aspartic acid.
Molecular consequence: missense variant. On other transcripts: non-coding transcript variant (1).
Genome position (GRCh38, 1-based): chr11:64,297,487, G>C. VCF-style: chr11-64297487-G-C. GRCh37 (hg19) VCF-style: chr11-64064959-G-C.
Other names: c.495G>C, p.Glu165Asp (NM_001317090.2); short protein forms E165D.
Identifiers: ClinVar variation 3369131 (VCV003369131.1).

ClinVar aggregate classification (germline): Uncertain significance (1 of 4 stars; one submission).

Submission:

GeneDx
Classification: Uncertain significance. Last evaluated: 2024-02-13. Review status: criteria provided, single submitter. Criteria: GeneDx Variant Classification Process June 2021. Collection method: clinical testing. Allele origin: germline. Affected: yes.
Comment: Not observed at significant frequency in large population cohorts (gnomAD); In silico analysis supports that this missense variant does not alter protein structure/function; Has not been previously published as pathogenic or benign to our knowledge